The following is an entry in ClinVar:

NM_030957.4(ADAMTS10):c.2525C>A (p.Ala842Glu)

Gene: ADAMTS10 (ADAM metallopeptidase with thrombospondin type 1 motif 10; minus strand). Cytogenetic location: 19p13.2.
Variant type: single nucleotide variant.
Coding change: c.2525C>A on transcript NM_030957.4 (MANE Select); coding-DNA position 2525, C replaced by A.
Protein change: p.Ala842Glu; replaces alanine 842 with glutamic acid.
Molecular consequence: missense variant.
Genome position (GRCh38, 1-based): chr19:8,586,349, G>T on the plus strand (C>A on the coding strand, the complement: ADAMTS10 is on the minus strand). VCF-style: chr19-8586349-G-T. GRCh37 (hg19) VCF-style: chr19-8651233-G-T.
Other names: c.986C>A, p.Ala329Glu (NM_001282352.2); short protein forms A842E, A329E.
Identifiers: ClinVar variation 2006635 (VCV002006635.4), dbSNP rs2512580437, ClinGen allele CA403749603.

ClinVar aggregate classification (germline): Uncertain significance (1 of 4 stars; one submission).

Submission:

Labcorp Genetics (formerly Invitae), Labcorp
Classification: Uncertain significance. Last evaluated: 2022-06-14. Review status: criteria provided, single submitter. Criteria: Invitae Variant Classification Sherloc (09022015). Collection method: clinical testing. Allele origin: germline.
Comment: In summary, the available evidence is currently insufficient to determine the role of this variant in disease. Therefore, it has been classified as a Variant of Uncertain Significance. Algorithms developed to predict the effect of missense changes on protein structure and function (SIFT, PolyPhen-2, Align-GVGD) all suggest that this variant is likely to be disruptive. This variant has not been reported in the literature in individuals affected with ADAMTS10-related conditions. This variant is not present in population databases (gnomAD no frequency). This sequence change replaces alanine, which is neutral and non-polar, with glutamic acid, which is acidic and polar, at codon 842 of the ADAMTS10 protein (p.Ala842Glu).